The following is an entry in ClinVar:

NM_001943.5(DSG2):c.1769T>A (p.Val590Asp)

Gene: DSG2 (desmoglein 2; plus strand). Cytogenetic location: 18q12.1.
Variant type: single nucleotide variant.
Coding change: c.1769T>A on transcript NM_001943.5 (MANE Select); coding-DNA position 1769, T replaced by A.
Protein change: p.Val590Asp; replaces valine 590 with aspartic acid.
Molecular consequence: missense variant.
Genome position (GRCh38, 1-based): chr18:31,538,868, T>A. VCF-style: chr18-31538868-T-A. GRCh37 (hg19) VCF-style: chr18-29118831-T-A.
Other names: short protein forms V590D.
Identifiers: ClinVar variation 1332599 (VCV001332599.3), dbSNP rs2144346704, ClinGen allele CA402137562.

ClinVar aggregate classification (germline): Uncertain significance (1 of 4 stars; one submission).

Conditions:
Cardiomyopathy (CMYO). Also called: Cardiomyopathies. Identifiers: Orphanet 167848, MedGen C0878544, MONDO:0004994, HP:0001638. Inheritance: Various modes of inheritance.

Allele frequency attached by ClinVar (database versions not stated): gnomAD exomes below 0.00001.
gnomAD v4.1: 1 of 1,613,986 alleles (0.000062%); highest among the groups gnomAD compares: Non-Finnish European, 0.000085%; no homozygotes.

Submission:

Color Diagnostics, LLC DBA Color Health
Classification: Uncertain significance for Cardiomyopathy. Last evaluated: 2024-03-06. Review status: criteria provided, single submitter. Criteria: ACMG Guidelines, 2015. Collection method: clinical testing. Allele origin: germline.
Comment: This missense variant replaces valine with aspartic acid at codon 590 of the DSG2 protein. Computational prediction suggests that this variant may have deleterious impact on protein structure and function (internally defined REVEL score threshold >= 0.7, PMID: 27666373). To our knowledge, functional studies have not been reported for this variant. This variant has not been reported in individuals affected with cardiovascular disorders in the literature. This variant has not been identified in the general population by the Genome Aggregation Database (gnomAD). The available evidence is insufficient to determine the role of this variant in disease conclusively. Therefore, this variant is classified as a Variant of Uncertain Significance.